The following is an entry in ClinVar:

NM_001370785.2(LRRC7):c.404T>A (p.Leu135His)

Gene: LRRC7 (leucine rich repeat containing 7; plus strand). Cytogenetic location: 1p31.1.
Variant type: single nucleotide variant.
Coding change: c.404T>A on transcript NM_001370785.2 (MANE Select); coding-DNA position 404, T replaced by A.
Protein change: p.Leu135His; replaces leucine 135 with histidine.
Molecular consequence: missense variant.
Genome position (GRCh38, 1-based): chr1:69,792,143, T>A. VCF-style: chr1-69792143-T-A. GRCh37 (hg19) VCF-style: chr1-70257826-T-A.
Other names: c.305T>A, p.Leu102His (NM_001330635.3, NM_001366837.3, NM_001366839.3 and 1 more transcripts); c.407T>A, p.Leu136His (NM_001350216.3, NM_001366840.1); c.404T>A, p.Leu135His (NM_001366836.3, NM_001366838.3); c.461T>A, p.Leu154His (NM_001366842.1); short protein forms L102H, L135H, L136H, L154H.
Identifiers: ClinVar variation 3773716 (VCV003773716.3).

ClinVar aggregate classification (germline): Uncertain significance. Review status: criteria provided, single submitter (1 of 4 stars). 2 submissions from 1 submitter: Uncertain significance (2). Last evaluated 2025-03-04.

Conditions:
Intellectual developmental disorder, autosomal dominant 77. Identifiers: MedGen C6065930, MONDO:0980748, OMIM 621415.
LRRC7-associated neurodevelopmental disorder.

Submissions (2):

Institute of Human Genetics, University of Leipzig Medical Center
Classification: Uncertain significance for LRRC7-associated neurodevelopmental disorder. Last evaluated: 2025-03-04. Review status: criteria provided, single submitter. Criteria: ACMG Guidelines, 2015. Collection method: clinical testing. Allele origin: unknown. Inheritance: Autosomal dominant inheritance. Affected: yes.
Comment: Criteria applied: PM2,PP2,PP3

Institute of Human Genetics, University of Leipzig Medical Center
Classification: Uncertain significance for Intellectual developmental disorder, autosomal dominant 77. Last evaluated: 2025-01-06. Review status: criteria provided, single submitter. Criteria: ACMG Guidelines, 2015. Collection method: clinical testing. Allele origin: maternal. Inheritance: Autosomal dominant inheritance. Affected: yes.
Comment: the same text as in the submission from Institute of Human Genetics, University of Leipzig Medical Center above.

Literature cited by the submitters: PubMed 39256359.